The following is an entry in ClinVar:

ClinVar aggregate classification (germline): Uncertain significance (1 of 4 stars; one submission).

Submission:

Labcorp Genetics (formerly Invitae), Labcorp
Classification: Uncertain significance. Last evaluated: 2025-07-26. Review status: criteria provided, single submitter. Criteria: Invitae Variant Classification Sherloc (09022015). Collection method: clinical testing. Allele origin: germline.
Comment: This sequence change replaces asparagine, which is neutral and polar, with serine, which is neutral and polar, at codon 212 of the KCNC3 protein (p.Asn212Ser). This variant is not present in population databases (gnomAD no frequency). This missense change has been observed in individual(s) with clinical features of spinocerebellar ataxia (internal data). ClinVar contains an entry for this variant (Variation ID: 1363653). Invitae Evidence Modeling of protein sequence and biophysical properties (such as structural, functional, and spatial information, amino acid conservation, physicochemical variation, residue mobility, and thermodynamic stability) indicates that this missense variant is not expected to disrupt KCNC3 protein function with a negative predictive value of 95%. In summary, the available evidence is currently insufficient to determine the role of this variant in disease. Therefore, it has been classified as a Variant of Uncertain Significance.

NM_004977.3(KCNC3):c.635A>G (p.Asn212Ser)

Gene: KCNC3 (potassium voltage-gated channel subfamily C member 3; minus strand). Cytogenetic location: 19q13.33.
Variant type: single nucleotide variant.
Coding change: c.635A>G on transcript NM_004977.3 (MANE Select); coding-DNA position 635, A replaced by G.
Protein change: p.Asn212Ser; replaces asparagine 212 with serine.
Molecular consequence: missense variant.
Genome position (GRCh38, 1-based): chr19:50,328,448, T>C on the plus strand (A>G on the coding strand, the complement: KCNC3 is on the minus strand). VCF-style: chr19-50328448-T-C. GRCh37 (hg19) VCF-style: chr19-50831705-T-C.
Other names: c.407A>G, p.Asn136Ser (NM_001372305.1); short protein forms N212S, N136S.
Identifiers: ClinVar variation 1363653 (VCV001363653.6), dbSNP rs2123545950, ClinGen allele CA406954644.